The following is an entry in ClinVar:

ClinVar aggregate classification (germline): Uncertain significance (1 of 4 stars; one submission).

Submission:

Ambry Genetics
Classification: Uncertain significance. Last evaluated: 2022-12-12. Review status: criteria provided, single submitter. Criteria: Ambry Variant Classification Scheme 2023. Collection method: clinical testing. Allele origin: germline.
Comment: The p.V566L variant (also known as c.1696G>T), located in coding exon 17 of the KIF1B gene, results from a G to T substitution at nucleotide position 1696. The valine at codon 566 is replaced by leucine, an amino acid with highly similar properties. This amino acid position is conserved. In addition, this alteration is predicted to be deleterious by in silico analysis. Since supporting evidence is limited at this time, the clinical significance of this alteration remains unclear.

NM_001365951.3(KIF1B):c.1834G>T (p.Val612Leu)

Gene: KIF1B (kinesin family member 1B; plus strand). Cytogenetic location: 1p36.22.
Variant type: single nucleotide variant.
Coding change: c.1834G>T on transcript NM_001365951.3 (MANE Select); coding-DNA position 1834, G replaced by T.
Protein change: p.Val612Leu; replaces valine 612 with leucine.
Molecular consequence: missense variant.
Genome position (GRCh38, 1-based): chr1:10,296,638, G>T. VCF-style: chr1-10296638-G-T. GRCh37 (hg19) VCF-style: chr1-10356696-G-T.
Other names: c.1834G>T, p.Val612Leu (NM_001365952.1); c.1696G>T, p.Val566Leu (NM_001365953.1, NM_015074.3, NM_183416.4); short protein forms V566L, V612L.
Identifiers: ClinVar variation 2448728 (VCV002448728.2), dbSNP rs753399361, ClinGen allele CA338315915.